The following is an entry in ClinVar:

ClinVar aggregate classification (germline): Conflicting classifications of pathogenicity. Review status: criteria provided, conflicting classifications (1 of 4 stars). 2 submissions from 2 submitters: Uncertain significance (1); Likely benign (1). Last evaluated 2025-12-31.

Conditions:
Episodic ataxia type 2 (EA2). Also called: ATAXIA, EPISODIC, WITH NYSTAGMUS; ATAXIA, FAMILIAL PAROXYSMAL; ACETAZOLAMIDE-RESPONSIVE HEREDITARY PAROXYSMAL CEREBELLAR ATAXIA; CEREBELLAR ATAXIA, PAROXYSMAL, ACETAZOLAMIDE-RESPONSIVE; CEREBELLOPATHY, HEREDITARY PAROXYSMAL; EPISODIC ATAXIA, NYSTAGMUS-ASSOCIATED. Identifiers: Orphanet 97, MedGen C1720416, MONDO:0007163, OMIM 108500.
Developmental and epileptic encephalopathy, 42 (DEE42A). Also called: Epileptic encephalopathy, early infantile, 42; DEVELOPMENTAL AND EPILEPTIC ENCEPHALOPATHY 42A; EPILEPTIC ENCEPHALOPATHY, EARLY INFANTILE, 42A. Identifiers: MedGen C4310716, MONDO:0014917, OMIM 617106.

Submissions (2):

Women's Health and Genetics/Laboratory Corporation of America, LabCorp
Classification: Uncertain significance. Last evaluated: 2025-12-31. Review status: criteria provided, single submitter. Criteria: LabCorp Variant Classification Summary - May 2015. Collection method: clinical testing. Allele origin: germline.
Comment: Variant summary: CACNA1A c.87C>T alters a conserved nucleotide resulting in a synonymous change. Computational tools predict a significant impact on normal splicing: Three predict the variant creates a cryptic 5' donor site. However, these predictions have yet to be confirmed by functional studies. The frequency data for this variant in gnomAD is considered unreliable, as metrics indicate poor data quality at this position. To our knowledge, no occurrence of c.87C>T in individuals affected with CACNA1A-related conditions and no experimental evidence demonstrating its impact on protein function have been reported. ClinVar contains an entry for this variant (Variation ID: 3763116). Based on the evidence outlined above, the variant was classified as uncertain significance.

Labcorp Genetics (formerly Invitae), Labcorp
Classification: Likely benign for Developmental and epileptic encephalopathy, 42; Episodic ataxia type 2. Last evaluated: 2024-02-24. Review status: criteria provided, single submitter. Criteria: Invitae Variant Classification Sherloc (09022015). Collection method: clinical testing. Allele origin: germline.

NM_001127222.2(CACNA1A):c.87C>T (p.Gly29=)

Gene: CACNA1A (calcium voltage-gated channel subunit alpha1 A; minus strand). Cytogenetic location: 19p13.13.
Variant type: single nucleotide variant.
Coding change: c.87C>T on transcript NM_001127222.2 (MANE Select); coding-DNA position 87, C replaced by T.
Protein change: p.Gly29=; no amino-acid change (glycine 29 retained).
Molecular consequence: synonymous variant.
Genome position (GRCh38, 1-based): chr19:13,506,138, G>A on the plus strand (C>T on the coding strand, the complement: CACNA1A is on the minus strand). VCF-style: chr19-13506138-G-A. GRCh37 (hg19) VCF-style: chr19-13616952-G-A.
Other names: c.87C>T, p.Gly29= (NM_000068.4, NM_001127221.2, NM_001174080.2 and 1 more transcripts).
Identifiers: ClinVar variation 3763116 (VCV003763116.3).